The following is an entry in ClinVar:

ClinVar aggregate classification (germline): Uncertain significance (1 of 4 stars; one submission).

Conditions:
Cardiovascular phenotype. Identifiers: MedGen CN230736.

Submission:

Ambry Genetics
Classification: Uncertain significance for Cardiovascular phenotype. Last evaluated: 2021-04-20. Review status: criteria provided, single submitter. Criteria: Ambry Variant Classification Scheme 2023. Collection method: clinical testing. Allele origin: germline.
Comment: The p.A205P variant (also known as c.613G>C), located in coding exon 3 of the PKP2 gene, results from a G to C substitution at nucleotide position 613. The alanine at codon 205 is replaced by proline, an amino acid with highly similar properties. This amino acid position is poorly conserved in available vertebrate species. In addition, this alteration is predicted to be tolerated by in silico analysis. Since supporting evidence is limited at this time, the clinical significance of this alteration remains unclear.

NM_001005242.3(PKP2):c.613G>C (p.Ala205Pro)

Gene: PKP2 (plakophilin 2; minus strand). Cytogenetic location: 12p11.21.
Variant type: single nucleotide variant.
Coding change: c.613G>C on transcript NM_001005242.3 (MANE Select); coding-DNA position 613, G replaced by C.
Protein change: p.Ala205Pro; replaces alanine 205 with proline.
Molecular consequence: missense variant.
Genome position (GRCh38, 1-based): chr12:32,878,267, C>G on the plus strand (G>C on the coding strand, the complement: PKP2 is on the minus strand). VCF-style: chr12-32878267-C-G. GRCh37 (hg19) VCF-style: chr12-33031201-C-G.
Other names: c.613G>C, p.Ala205Pro (NM_004572.4, NM_001407155.1, NM_001407156.1 and 2 more transcripts); c.286G>C, p.Ala96Pro (NM_001407158.1, NM_001407159.1, NM_001407160.1 and 1 more transcripts); short protein forms A96P, A205P.
Identifiers: ClinVar variation 1751832 (VCV001751832.2), dbSNP rs2541340967, ClinGen allele CA384364031.